The following is an entry in ClinVar:

NM_000492.4(CFTR):c.1210-12_1210-11insG

Genes: CFTR (CF transmembrane conductance regulator; plus strand), CFTR-AS1 (CFTR antisense RNA 1; minus strand). Cytogenetic location: 7q31.2.
Variant type: Insertion.
Coding change: c.1210-12_1210-11insG on transcript NM_000492.4 (MANE Select); 12 bases into the intron before coding-DNA position 1210 through 11 bases into the intron before coding-DNA position 1210, G inserted.
Molecular consequence: intron variant.
Genome position: GRCh38 VCF-style: chr7-117548629-T-TG. GRCh37 (hg19) VCF-style: chr7-117188683-T-TG.
Identifiers: ClinVar variation 439049 (VCV000439049.6), dbSNP rs4148705, ClinGen allele CA4450950.

ClinVar aggregate classification (germline): Conflicting classifications of pathogenicity. Review status: criteria provided, conflicting classifications (1 of 4 stars). 5 submissions from 5 submitters: Pathogenic (1); Uncertain significance (4). Last evaluated 2026-04-22.

Conditions:
Cystic fibrosis diagnostic test.
CFTR-related disorder (CFTR-RD). Also called: CFTR-related disorders; CFTR-related condition. Identifiers: MedGen C5924204, MONDO:7770004.

Allele frequency attached by ClinVar (database versions not stated): 1000 Genomes Project 0.00319; gnomAD exomes 0.00039.

Submissions (5):

NHS Central & South Genomic Laboratory Hub
Classification: Pathogenic for Cystic fibrosis diagnostic test. Last evaluated: 2026-04-22. Review status: criteria provided, single submitter. Criteria: ACMG Guidelines, 2015. Collection method: clinical testing. Allele origin: germline. Affected: yes.

PreventionGenetics, part of Exact Sciences
Classification: Uncertain significance for CFTR-related condition. Last evaluated: 2023-02-17. Review status: criteria provided, single submitter. Criteria: ACMG Guidelines, 2015. Collection method: clinical testing. Allele origin: germline.
Comment: The CFTR c.1210-12_1210-11insG variant is predicted to result in an in-frame amino acid insertion (Intronic). In the CFTR gene, poly T and TG tract alleles (5T/7T/9T and 10TG/11TG/12TG) are common polymorphic variants. Shorter poly T tracts (such as 5T) combined with longer adjacent poly TG tracts in cis (such as 12TG or 13TG) are known to decrease the efficiency of intron 8 splicing (Cuppens et al. 1998. PubMed ID: 9435322), leading to increased levels of transcripts missing exon 9 which leads to a protein with no chloride channel activity (Delaney et al. 1993. PubMed ID: 7691356; Strong et al. 1993. PubMed ID: 7684641). A poly T tract length of 6 adjacent to TG tract lengths of 11 or 12 (i.e. 6T/11TG and 6T/12TG alleles) have been documented at allele frequencies of up to ~1.5% in Asian populations (Huang et al. 2008. PubMed ID: 18350634; Jin et al. 2012. PubMed ID: 23092102) and have been reported in patients affected with CFTR-related conditions including bronchiectasis, asthma, and chronic bronchitis (Lee et al. 2003. PubMed ID: 12952861; Wang et al. 2012. PubMed ID: 23554779; Dahl et al. 2005. PubMed ID: 16212675; Kim et al. 2010. PubMed ID: 20879059). However, 6T/11TG and 6T/12TG alleles have also been documented in healthy controls (Fujiki et al. 2004. PubMed ID: 15121783; Wang et al. 2012. PubMed ID: 23554779; Chang et al. 2007. PubMed ID: 17539902; Kim et al. 2010. PubMed ID: 20879059). A 6T/13TG allele has been documented in trans with a pathogenic variant in patients with congenital bilateral absence of the vas deferens (Dayangaç et al. 2004. PubMed ID: 15070876; Viel et al. 2005. PubMed ID: 15562283). At this time, the clinical significance of the CFTR 6T/12TG allele identified in this patient is uncertain due to the absence of conclusive functional and genetic evidence.

Mendelics
Classification: Uncertain significance. Last evaluated: 2022-05-04. Review status: criteria provided, single submitter. Criteria: Mendelics Assertion Criteria 2019. Collection method: clinical testing. Allele origin: germline.

Women's Health and Genetics/Laboratory Corporation of America, LabCorp
Classification: Uncertain significance. Last evaluated: 2022-03-18. Review status: criteria provided, single submitter. Criteria: LabCorp Variant Classification Summary - May 2015. Collection method: clinical testing. Allele origin: germline.

Quest Diagnostics Nichols Institute San Juan Capistrano
Classification: Uncertain significance. Last evaluated: 2017-05-11. Review status: criteria provided, single submitter. Criteria: Quest Diagnostics criteria. Collection method: clinical testing. Allele origin: germline.

Literature cited by the submitters: PubMed 7684646 (cited by Quest Diagnostics Nichols Institute San Juan Capistrano); PubMed 9435322 (cited by Quest Diagnostics Nichols Institute San Juan Capistrano); PubMed 14685937 (cited by Quest Diagnostics Nichols Institute San Juan Capistrano); PubMed 17314234 (cited by Quest Diagnostics Nichols Institute San Juan Capistrano); PubMed 17394391 (cited by Quest Diagnostics Nichols Institute San Juan Capistrano).